The following is an entry in ClinVar:

ClinVar aggregate classification (germline): Benign (1 of 4 stars; one submission).

Allele frequency attached by ClinVar (database versions not stated): TOPMed 0.87920; 1000 Genomes Project 30x 0.88242; 1000 Genomes Project 0.88658; gnomAD 0.88906; gnomAD exomes 0.94904.
gnomAD v4.1: 437,755 of 470,978 alleles (93%); highest among the groups gnomAD compares: East Asian, 100%; 205,020 homozygotes.

Submission:

Unidad de Genómica Garrahan, Hospital de Pediatría Garrahan
Classification: Benign. Last evaluated: 2024-07-15. Review status: criteria provided, single submitter. Criteria: ACMG Guidelines, 2015. Collection method: clinical testing. Allele origin: germline. Affected: no. Observed: 92 variant alleles.
Comment: This variant is classified as Benign based on local population frequency. This variant was detected in 99% of patients studied in a panel designed for Epileptic and Developmental Encephalopathy and Progressive Myoclonus Epilepsy. Number of patients: 92. Only high quality variants are reported.

NM_015192.4(PLCB1):c.3423+2387T>C

Gene: PLCB1 (phospholipase C beta 1; plus strand). Cytogenetic location: 20p12.3.
Variant type: single nucleotide variant.
Coding change: c.3423+2387T>C on transcript NM_015192.4 (MANE Select); 2387 bases into the intron after coding-DNA position 3423, T replaced by C.
Molecular consequence: intron variant.
Genome position (GRCh38, 1-based): chr20:8,792,648, T>C. VCF-style: chr20-8792648-T-C. GRCh37 (hg19) VCF-style: chr20-8773295-T-C.
Other names: c.3423+2387T>C (NM_182734.3).
Identifiers: ClinVar variation 3255276 (VCV003255276.2), dbSNP rs6056119.